The following is an entry in ClinVar:

NM_000316.3(PTH1R):c.440G>A (p.Arg147His)

Gene: PTH1R (parathyroid hormone 1 receptor; plus strand). Cytogenetic location: 3p21.31.
Variant type: single nucleotide variant.
Coding change: c.440G>A on transcript NM_000316.3 (MANE Select); coding-DNA position 440, G replaced by A.
Protein change: p.Arg147His; replaces arginine 147 with histidine.
Molecular consequence: missense variant.
Genome position (GRCh38, 1-based): chr3:46,898,089, G>A. VCF-style: chr3-46898089-G-A. GRCh37 (hg19) VCF-style: chr3-46939579-G-A.
Other names: c.440G>A, p.Arg147His (NM_001184744.1); short protein forms R147H.
Identifiers: ClinVar variation 523004 (VCV000523004.10), dbSNP rs576428067, ClinGen allele CA2359183.

ClinVar aggregate classification (germline): Uncertain significance. Review status: criteria provided, multiple submitters, no conflicts (2 of 4 stars). 2 submissions from 2 submitters: Uncertain significance (2). Last evaluated 2022-08-23.

Conditions:
Primary failure of tooth eruption. Also called: POSTERIOR OPENBITE MALOCCLUSION, FAMILIAL; UNERUPTED SECOND PRIMARY MOLAR; DENTAL NONERUPTION; PRIMARY RETENTION OF TEETH. Identifiers: Orphanet 412206, MedGen C1852222, MONDO:0007434, OMIM 125350.

Allele frequency attached by ClinVar (database versions not stated): gnomAD 0.00001.
gnomAD v4.1: 8 of 1,614,046 alleles (0.0005%); highest among the groups gnomAD compares: South Asian, 0.0011%; no homozygotes.

Submissions (2):

Labcorp Genetics (formerly Invitae), Labcorp
Classification: Uncertain significance. Last evaluated: 2022-08-23. Review status: criteria provided, single submitter. Criteria: Invitae Variant Classification Sherloc (09022015). Collection method: clinical testing. Allele origin: germline.
Comment: This variant is present in population databases (rs576428067, gnomAD 0.003%). This sequence change replaces arginine, which is basic and polar, with histidine, which is basic and polar, at codon 147 of the PTH1R protein (p.Arg147His). This variant has not been reported in the literature in individuals affected with PTH1R-related conditions. In summary, the available evidence is currently insufficient to determine the role of this variant in disease. Therefore, it has been classified as a Variant of Uncertain Significance. Algorithms developed to predict the effect of missense changes on protein structure and function are either unavailable or do not agree on the potential impact of this missense change (SIFT: "Deleterious"; PolyPhen-2: "Benign"; Align-GVGD: "Class C25"). ClinVar contains an entry for this variant (Variation ID: 523004).

Genomic Research Center, Shahid Beheshti University of Medical Sciences
Classification: Uncertain significance for Primary failure of tooth eruption. Last evaluated: 2017-12-18. Review status: criteria provided, single submitter. Criteria: ACMG Guidelines, 2015. Collection method: clinical testing. Allele origin: inherited. Affected: yes.